The following is an entry in ClinVar:

NM_001379500.1(COL18A1):c.799-9G>A

Gene: COL18A1 (collagen type XVIII alpha 1 chain; plus strand). Cytogenetic location: 21q22.3.
Variant type: single nucleotide variant.
Coding change: c.799-9G>A on transcript NM_001379500.1 (MANE Select); 9 bases into the intron before coding-DNA position 799, G replaced by A.
Molecular consequence: intron variant.
Genome position (GRCh38, 1-based): chr21:45,476,342, G>A. VCF-style: chr21-45476342-G-A. GRCh37 (hg19) VCF-style: chr21-46896256-G-A.
Other names: c.2044-9G>A (NM_130444.3); c.1339-9G>A (NM_030582.4, NM_030582.3).
Identifiers: ClinVar variation 1144873 (VCV001144873.11), dbSNP rs201215190, ClinGen allele CA10065934.

ClinVar aggregate classification (germline): Likely benign. Review status: criteria provided, single submitter (1 of 4 stars). 2 submissions from 2 submitters: Likely benign (1). 1 of the submissions does not count toward it. Last evaluated 2026-02-02.

Conditions:
COL18A1-related disorder. Also called: COL18A1-related condition; COL18A1-related disorders.

Allele frequency attached by ClinVar (database versions not stated): TOPMed 0.00002; ExAC 0.00003; gnomAD exomes 0.00004 and 0.00007; gnomAD 0.00005; ESP Exome Variant Server 0.00016.
gnomAD v4.1: 109 of 1,613,640 alleles (0.0068%); highest among the groups gnomAD compares: Non-Finnish European, 0.0089%; no homozygotes.

Submissions (2):

Labcorp Genetics (formerly Invitae), Labcorp
Classification: Likely benign. Last evaluated: 2026-02-02. Review status: criteria provided, single submitter. Criteria: Invitae Variant Classification Sherloc (09022015). Collection method: clinical testing. Allele origin: germline.

PreventionGenetics, part of Exact Sciences
Classification: Likely benign for COL18A1-related condition. Last evaluated: 2020-11-25. Review status: no assertion criteria provided. Collection method: clinical testing. Allele origin: germline. Not counted in ClinVar's aggregate classification.
Comment: This variant is classified as likely benign based on ACMG/AMP sequence variant interpretation guidelines (Richards et al. 2015 PMID: 25741868, with internal and published modifications).